The following is an entry in ClinVar:

ClinVar aggregate classification (germline): Conflicting classifications of pathogenicity. Review status: criteria provided, conflicting classifications (1 of 4 stars). 6 submissions from 6 submitters: Likely pathogenic (1); Uncertain significance (4). 1 of the submissions does not count toward it. Last evaluated 2025-07-28.

Conditions:
Bardet-Biedl syndrome 9 (BBS9). Identifiers: Orphanet 110, MedGen C1859567, MONDO:0014437, OMIM 615986.
Inborn genetic diseases. Identifiers: MedGen C0950123, MeSH D030342.
BBS9-related disorder. Also called: BBS9-related condition.
Bardet-Biedl syndrome (BBS). Identifiers: Orphanet 110, MedGen C0752166, MONDO:0015229.

Allele frequency attached by ClinVar (database versions not stated): TOPMed below 0.00001; gnomAD 0.00001; gnomAD exomes 0.00002.
gnomAD v4.1: 26 of 1,613,632 alleles (0.0016%); highest among the groups gnomAD compares: Non-Finnish European, 0.0021%; no homozygotes.

Submissions (6):

Labcorp Genetics (formerly Invitae), Labcorp
Classification: Uncertain significance for Bardet-Biedl syndrome. Last evaluated: 2025-07-28. Review status: criteria provided, single submitter. Criteria: Invitae Variant Classification Sherloc (09022015). Collection method: clinical testing. Allele origin: germline.
Comment: This sequence change replaces asparagine, which is neutral and polar, with serine, which is neutral and polar, at codon 254 of the BBS9 protein (p.Asn254Ser). This variant is present in population databases (no rsID available, gnomAD 0.01%). This missense change has been observed in individual(s) with clinical features of Bardet-Biedl syndrome (PMID: 29096039). ClinVar contains an entry for this variant (Variation ID: 971614). Invitae Evidence Modeling of protein sequence and biophysical properties (such as structural, functional, and spatial information, amino acid conservation, physicochemical variation, residue mobility, and thermodynamic stability) indicates that this missense variant is not expected to disrupt BBS9 protein function with a negative predictive value of 80%. Algorithms developed to predict the effect of sequence changes on RNA splicing suggest that this variant may disrupt the consensus splice site. In summary, the available evidence is currently insufficient to determine the role of this variant in disease. Therefore, it has been classified as a Variant of Uncertain Significance.

Ambry Genetics
Classification: Likely pathogenic for Inborn genetic diseases. Last evaluated: 2025-05-28. Review status: criteria provided, single submitter. Criteria: Ambry Variant Classification Scheme 2023. Collection method: clinical testing. Allele origin: germline.
Comment: The c.761A>G (p.N254S) alteration is located in exon 8 (coding exon 7) of the BBS9 gene. This alteration results from an A to G substitution at nucleotide position 761, causing the asparagine (N) at amino acid position 254 to be replaced by a serine (S). Based on data from gnomAD, the G allele has an overall frequency of 0.006% (2/31388) total alleles studied. The highest observed frequency was 0.012% (1/8710) of African alleles. This variant has been identified in the homozygous state and/or in conjunction with other BBS9 variant(s) in individuals with features consistent with BBS9-related Bardet-Biedl syndrome (Stals, 2018; Sakaguchi, 2022; external communication). This nucleotide and amino acid position is not well conserved in available vertebrate species. RNA studies have demonstrated that this alteration results in abnormal splicing in the set of samples tested (Ambry internal data). This amino acid alteration is predicted to be tolerated by in silico analysis. In silico splice site analysis predicts that this nucleotide alteration will result in the creation or strengthening of a novel splice acceptor site. Based on the available evidence, this alteration is classified as likely pathogenic.

Blueprint Genetics
Classification: Uncertain significance. Last evaluated: 2024-05-27. Review status: criteria provided, single submitter. Criteria: ACMG Guidelines, 2015. Collection method: clinical testing. Allele origin: germline.

GeneDx
Classification: Uncertain significance. Last evaluated: 2023-01-07. Review status: criteria provided, single submitter. Criteria: GeneDx Variant Classification Process June 2021. Collection method: clinical testing. Allele origin: germline. Affected: yes.
Comment: In silico analysis supports that this missense variant does not alter protein structure/function; In silico analysis suggests this variant may impact gene splicing. In the absence of RNA/functional studies, the actual effect of this sequence change is unknown.; This variant is associated with the following publications: (PMID: 29096039)

Fulgent Genetics
Classification: Uncertain significance for Bardet-Biedl syndrome 9. Last evaluated: 2021-11-10. Review status: criteria provided, single submitter. Criteria: ACMG Guidelines, 2015. Collection method: clinical testing. Allele origin: unknown.

PreventionGenetics, part of Exact Sciences
Classification: Likely pathogenic for BBS9-related condition. Last evaluated: 2024-05-07. Review status: no assertion criteria provided. Collection method: clinical testing. Allele origin: germline. Not counted in ClinVar's aggregate classification.
Comment: The BBS9 c.761A>G variant is predicted to result in the amino acid substitution p.Asn254Ser. This variant has been reported in the compound heterozygous state with a second rare BBS9 variant in a fetus with polydactyly, renal cysts, enlarged and hyperechogenic kidneys, consistent with Bardet-Biedl syndrome (Stals et al. 2018. PubMed ID: 29096039). This variant is reported in 0.011% of alleles in individuals of African descent in gnomAD. This variant is interpreted as likely pathogenic.

Literature cited by the submitters: PubMed 29096039 (cited by Labcorp Genetics (formerly Invitae), Labcorp and Ambry Genetics); PubMed 35304488 (cited by Ambry Genetics).

NM_198428.3(BBS9):c.761A>G (p.Asn254Ser)

Gene: BBS9 (Bardet-Biedl syndrome 9; plus strand). Cytogenetic location: 7p14.3.
Variant type: single nucleotide variant.
Coding change: c.761A>G on transcript NM_198428.3 (MANE Select); coding-DNA position 761, A replaced by G.
Protein change: p.Asn254Ser; replaces asparagine 254 with serine.
Molecular consequence: missense variant. On other transcripts: non-coding transcript variant (3).
Genome position (GRCh38, 1-based): chr7:33,273,070, A>G. VCF-style: chr7-33273070-A-G. GRCh37 (hg19) VCF-style: chr7-33312682-A-G.
Other names: c.761A>G, p.Asn254Ser (NM_001033604.2, NM_001033605.2, NM_001348036.1 and 5 more transcripts); c.395A>G, p.Asn132Ser (NM_001348037.3, NM_001348044.3, NM_001348045.3 and 1 more transcripts); c.488A>G, p.Asn163Ser (NM_001348038.3, NM_001348039.3); c.626A>G, p.Asn209Ser (NM_001348042.3); short protein forms N132S, N163S, N209S, N254S.
Identifiers: ClinVar variation 971614 (VCV000971614.12), dbSNP rs1279852557, ClinGen allele CA367254141.